The following is an entry in ClinVar:

ClinVar aggregate classification (germline): Likely benign (1 of 4 stars; one submission).

Allele frequency attached by ClinVar (database versions not stated): 1000 Genomes Project 0.00100; 1000 Genomes Project 30x 0.00109; TOPMed 0.00173; gnomAD 0.00278 and 0.00280; gnomAD exomes 0.00365.
gnomAD v4.1: 4,908 of 1,390,326 alleles (0.35%); highest among the groups gnomAD compares: Non-Finnish European, 0.37%; 14 homozygotes.

Submission:

GeneDx
Classification: Likely benign. Last evaluated: 2018-06-19. Review status: criteria provided, single submitter. Criteria: GeneDx Variant Classification (06012015). Collection method: clinical testing. Allele origin: germline. Affected: yes.
Comment: This variant is considered likely benign or benign based on one or more of the following criteria: it is a conservative change, it occurs at a poorly conserved position in the protein, it is predicted to be benign by multiple in silico algorithms, and/or has population frequency not consistent with disease.

NM_006073.4(TRDN):c.854-84A>G

Genes: TRDN (triadin; minus strand), TRDN-AS1 (TRDN antisense RNA 1; plus strand). Cytogenetic location: 6q22.31.
Variant type: single nucleotide variant.
Coding change: c.854-84A>G on transcript NM_006073.4 (MANE Select); 84 bases into the intron before coding-DNA position 854, A replaced by G.
Molecular consequence: intron variant.
Genome position (GRCh38, 1-based): chr6:123,465,067, T>C on the plus strand (A>G on the coding strand, the complement: TRDN is on the minus strand). VCF-style: chr6-123465067-T-C. GRCh37 (hg19) VCF-style: chr6-123786212-T-C.
Other names: c.854-84A>G (NM_001251987.2); c.794-84A>G (NM_001256020.2).
Identifiers: ClinVar variation 676362 (VCV000676362.1), dbSNP rs183008035, ClinGen allele CA147276912.